The following is an entry in ClinVar:

NM_000214.3(JAG1):c.3164T>A (p.Val1055Glu)

Gene: JAG1 (jagged canonical Notch ligand 1; minus strand). Cytogenetic location: 20p12.2.
Variant type: single nucleotide variant.
Coding change: c.3164T>A on transcript NM_000214.3 (MANE Select); coding-DNA position 3164, T replaced by A.
Protein change: p.Val1055Glu; replaces valine 1055 with glutamic acid.
Molecular consequence: missense variant.
Genome position (GRCh38, 1-based): chr20:10,640,818, A>T on the plus strand (T>A on the coding strand, the complement: JAG1 is on the minus strand). VCF-style: chr20-10640818-A-T. GRCh37 (hg19) VCF-style: chr20-10621466-A-T.
Other names: short protein forms V1055E.
Identifiers: ClinVar variation 1709663 (VCV001709663.3), dbSNP rs2067265295, ClinGen allele CA408243976.

ClinVar aggregate classification (germline): Uncertain significance. Review status: criteria provided, multiple submitters, no conflicts (2 of 4 stars). 2 submissions from 2 submitters: Uncertain significance (2). Last evaluated 2024-01-15.

Conditions:
Deafness, congenital heart defects, and posterior embryotoxon (DCHE). Identifiers: MedGen C1866053, MONDO:0060713, OMIM 617992.
Charcot-Marie-Tooth disease, axonal, Type 2HH. Also called: CHARCOT-MARIE-TOOTH NEUROPATHY, TYPE 2HH. Identifiers: MedGen C5562003, MONDO:0030458, OMIM 619574.
Tetralogy of Fallot (TOF). Identifiers: Orphanet 3303, MedGen C0039685, MONDO:0008542, OMIM 187500, HP:0001636.
Alagille syndrome due to a JAG1 point mutation. Also called: JAG1-Related Alagille Syndrome; Alagille Syndrome 1; HEPATIC DUCTULAR HYPOPLASIA, SYNDROMATIC. Identifiers: Orphanet 261619, Orphanet 52, MedGen C1956125, MONDO:0016862, OMIM 118450.

Allele frequency attached by ClinVar (database versions not stated): TOPMed below 0.00001.

Submissions (2):

Fulgent Genetics
Classification: Uncertain significance for Alagille syndrome due to a JAG1 point mutation; Tetralogy of Fallot; Deafness, congenital heart defects, and posterior embryotoxon; Charcot-Marie-Tooth disease, axonal, Type 2HH. Last evaluated: 2024-01-15. Review status: criteria provided, single submitter. Criteria: ACMG Guidelines, 2015. Collection method: clinical testing. Allele origin: germline.

MGZ Medical Genetics Center
Classification: Uncertain significance for Alagille syndrome due to a JAG1 point mutation. Last evaluated: 2022-07-11. Review status: criteria provided, single submitter. Criteria: ACMG Guidelines, 2015. Collection method: clinical testing. Allele origin: germline. Affected: yes. Observed: 1 variant allele.
Comment: ACMG criteria applied: PM2_SUP, PP3